The following is an entry in ClinVar:

ClinVar aggregate classification (somatic clinical impact): Tier I - Strong (1 of 4 stars; one submission).

Conditions:
Posterior fossa group A ependymoma. Identifiers: MedGen C5670548, MONDO:0956992.

Submission:

Institute for Genomic Medicine (IGM) Clinical Laboratory, Nationwide Children's Hospital
Classification: Tier I - Strong for Posterior fossa group A ependymoma. Assertion type: diagnostic. Clinical significance: supports diagnosis. Last evaluated: 2024-06-11. Review status: criteria provided, single submitter. Criteria: AMP/ASCO/CAP Guidelines, 2017. Collection method: clinical testing. Allele origin: somatic. Affected: yes.
Comment: Variant has Tier I (strong) clinical significance as a diagnostic inclusion criterion in posterior fossa group A ependymoma, based on the following evidence: 1) Appears in one or more well-established professional guidelines (e.g., World Health Organization [WHO]; National Comprehensive Cancer Network [NCCN]) as providing diagnostic, prognostic, or therapeutic information. 2) Information in the literature supports potential biologic effect of variant (PMIDs: 34762160, 29909548). 3) Diagnostic for a specific tumor type/classification based on well-powered studies with expert-level consensus (Evidence Level B; PMIDs: 29909548, 31086175, 33049227, 34762160).

Literature cited by the submitters: PubMed 34762160; PubMed 29909548; PubMed 31086175; PubMed 33049227.

NM_203407.3(EZHIP):c.340G>T (p.Val114Leu)

Gene: EZHIP (EZH inhibitory protein; plus strand). Cytogenetic location: Xp11.22.
Variant type: single nucleotide variant.
Coding change: c.340G>T on transcript NM_203407.3 (MANE Select); coding-DNA position 340, G replaced by T.
Protein change: p.Val114Leu; replaces valine 114 with leucine.
Molecular consequence: missense variant.
Genome position (GRCh38, 1-based): chrX:51,407,356, G>T. VCF-style: chrX-51407356-G-T. GRCh37 (hg19) VCF-style: chrX-51150208-G-T.
Other names: short protein forms V114L.
Identifiers: ClinVar variation 4530056 (VCV004530056.1).